The following is an entry in ClinVar:

ClinVar aggregate classification (germline): Uncertain significance. Review status: criteria provided, multiple submitters, no conflicts (2 of 4 stars). 2 submissions from 2 submitters: Uncertain significance (2). Last evaluated 2024-02-28.

Conditions:
Renal cell carcinoma. Identifiers: Orphanet 217071, MedGen C0007134, MeSH D002292, MONDO:0005086, HP:0005584.
Hereditary cancer-predisposing syndrome. Also called: Tumor predisposition; Hereditary neoplastic syndrome; Neoplastic Syndromes, Hereditary; Hereditary Cancer Syndrome. Identifiers: Orphanet 140162, MedGen C0027672, MeSH D009386, MONDO:0015356.

Allele frequency attached by ClinVar (database versions not stated): gnomAD exomes below 0.00001.
gnomAD v4.1: 2 of 1,614,034 alleles (0.00012%); highest among the groups gnomAD compares: Non-Finnish European, 0.000085%; no homozygotes.

Submissions (2):

Ambry Genetics
Classification: Uncertain significance for Hereditary cancer-predisposing syndrome. Last evaluated: 2024-02-28. Review status: criteria provided, single submitter. Criteria: Ambry Variant Classification Scheme 2023. Collection method: clinical testing. Allele origin: germline.
Comment: The p.L1158F variant (also known as c.3472C>T), located in coding exon 16 of the MET gene, results from a C to T substitution at nucleotide position 3472. The leucine at codon 1158 is replaced by phenylalanine, an amino acid with highly similar properties. This amino acid position is highly conserved in available vertebrate species. In addition, this alteration is predicted to be deleterious by in silico analysis. Based on the available evidence, the clinical significance of this alteration remains unclear.

Labcorp Genetics (formerly Invitae), Labcorp
Classification: Uncertain significance for Renal cell carcinoma. Last evaluated: 2019-08-08. Review status: criteria provided, single submitter. Criteria: Invitae Variant Classification Sherloc (09022015). Collection method: clinical testing. Allele origin: germline.
Comment: In summary, the available evidence is currently insufficient to determine the role of this variant in disease. Therefore, it has been classified as a Variant of Uncertain Significance. Algorithms developed to predict the effect of missense changes on protein structure and function are either unavailable or do not agree on the potential impact of this missense change (SIFT: "Deleterious"; PolyPhen-2: "Probably Damaging"; Align-GVGD: "Class C15"). This variant has not been reported in the literature in individuals with MET-related conditions. This variant is not present in population databases (ExAC no frequency). This sequence change replaces leucine with phenylalanine at codon 1158 of the MET protein (p.Leu1158Phe). The leucine residue is highly conserved and there is a small physicochemical difference between leucine and phenylalanine.

NM_000245.4(MET):c.3418C>T (p.Leu1140Phe)

Gene: MET (MET proto-oncogene, receptor tyrosine kinase; plus strand). Cytogenetic location: 7q31.2.
Variant type: single nucleotide variant.
Coding change: c.3418C>T on transcript NM_000245.4 (MANE Select); coding-DNA position 3418, C replaced by T.
Protein change: p.Leu1140Phe; replaces leucine 1140 with phenylalanine.
Molecular consequence: missense variant.
Genome position (GRCh38, 1-based): chr7:116,778,853, C>T. VCF-style: chr7-116778853-C-T. GRCh37 (hg19) VCF-style: chr7-116418907-C-T.
Other names: c.3472C>T, p.Leu1158Phe (NM_001127500.3); c.2128C>T, p.Leu710Phe (NM_001324402.2); short protein forms L1158F, L710F, L1140F.
Identifiers: ClinVar variation 958946 (VCV000958946.10), dbSNP rs1333930330, ClinGen allele CA368990115.
Genomic context (GRCh38, chr7:116,778,853, plus strand): 5'-GAAGTTTCCCAATTTCTGACCGAGGGAATCATCATGAAAGATTTTAGTCATCCCAATGTC[C>T]TCTCGCTCCTGGGAATCTGCCTGCGAAGTGAAGGGTCTCCGCTGGTGGTCCTACCATACA-3'
Protein context (NP_000236.2, residues 1130-1150): IMKDFSHPNV[Leu1140Phe]SLLGICLRSE